The following is an entry in ClinVar:

NM_014254.3(RXYLT1):c.-44G>A

Genes: RXYLT1 (ribitol xylosyltransferase 1; plus strand), LOC130008195 (ATAC-STARR-seq lymphoblastoid silent region 4614; plus strand). Cytogenetic location: 12q14.2.
Variant type: single nucleotide variant.
Coding change: c.-44G>A on transcript NM_014254.3 (MANE Select); 44 bases upstream of the start codon, G replaced by A.
Molecular consequence: 5 prime UTR variant.
Genome position (GRCh38, 1-based): chr12:63,779,917, G>A. VCF-style: chr12-63779917-G-A. GRCh37 (hg19) VCF-style: chr12-64173697-G-A.
Identifiers: ClinVar variation 516693 (VCV000516693.1), dbSNP rs148654258, ClinGen allele CA6665951.

ClinVar aggregate classification (germline): Likely benign (1 of 4 stars; one submission).

Allele frequency attached by ClinVar (database versions not stated): ExAC 0.00059; ESP Exome Variant Server 0.00200; gnomAD 0.00232 and 0.00248; 1000 Genomes Project 30x 0.00250; TOPMed 0.00257; 1000 Genomes Project 0.00280.
gnomAD v4.1: 681 of 1,605,520 alleles (0.042%); highest among the groups gnomAD compares: African/African-American, 0.75%; 3 homozygotes.

Submission:

GeneDx
Classification: Likely benign. Last evaluated: 2017-03-07. Review status: criteria provided, single submitter. Criteria: GeneDx Variant Classification (06012015). Collection method: clinical testing. Allele origin: germline. Affected: yes.
Comment: This variant is considered likely benign or benign based on one or more of the following criteria: it is a conservative change, it occurs at a poorly conserved position in the protein, it is predicted to be benign by multiple in silico algorithms, and/or has population frequency not consistent with disease.